The following is an entry in ClinVar:

ClinVar aggregate classification (germline): Conflicting classifications of pathogenicity. Review status: criteria provided, conflicting classifications (1 of 4 stars). 7 submissions from 7 submitters: Uncertain significance (3); Likely benign (3). 1 of the submissions does not count toward it. Last evaluated 2026-01-28.

Conditions:
RFT1-related disorder. Also called: RFT1-related condition.
Inborn genetic diseases. Identifiers: MedGen C0950123, MeSH D030342.
RFT1-congenital disorder of glycosylation (CDG1N). Also called: Congenital disorder of glycosylation type In; RFT1-CDG; CDG In. Identifiers: Orphanet 244310, MedGen C2677590, MONDO:0012783, OMIM 612015.

Allele frequency attached by ClinVar (database versions not stated): ExAC 0.00163; 1000 Genomes Project 30x 0.00187; gnomAD 0.00187 and 0.00188; gnomAD exomes 0.00210 and 0.00252; TOPMed 0.00222; ESP Exome Variant Server 0.00159; 1000 Genomes Project 0.00160.
gnomAD v4.1: 3,823 of 1,553,694 alleles (0.25%); highest among the groups gnomAD compares: Non-Finnish European, 0.29%; 6 homozygotes.

Submissions (7):

Labcorp Genetics (formerly Invitae), Labcorp
Classification: Likely benign for RFT1-congenital disorder of glycosylation. Last evaluated: 2026-01-28. Review status: criteria provided, single submitter. Criteria: Invitae Variant Classification Sherloc (09022015). Collection method: clinical testing. Allele origin: germline.

Blueprint Genetics
Classification: Uncertain significance. Last evaluated: 2024-11-26. Review status: criteria provided, single submitter. Criteria: ACMG Guidelines, 2015. Collection method: clinical testing. Allele origin: germline.

CeGaT Center for Human Genetics Tuebingen
Classification: Likely benign. Last evaluated: 2024-09-01. Review status: criteria provided, single submitter. Criteria: CeGaT Center For Human Genetics Tuebingen Variant Classification Criteria Version 2. Collection method: clinical testing. Allele origin: germline. Affected: yes. Observed: 2 variant alleles.
Comment: RFT1: BP4

Ambry Genetics
Classification: Likely benign for Inborn genetic diseases. Last evaluated: 2021-09-22. Review status: criteria provided, single submitter. Criteria: Ambry Variant Classification Scheme 2023. Collection method: clinical testing. Allele origin: germline.

GeneDx
Classification: Uncertain significance. Last evaluated: 2021-05-25. Review status: criteria provided, single submitter. Criteria: GeneDx Variant Classification Process June 2021. Collection method: clinical testing. Allele origin: germline. Affected: yes.
Comment: In silico analysis supports that this missense variant does not alter protein structure/function; Has not been previously published as pathogenic or benign to our knowledge

Illumina Laboratory Services, Illumina
Classification: Uncertain significance for RFT1-congenital disorder of glycosylation. Last evaluated: 2018-01-12. Review status: criteria provided, single submitter. Criteria: ICSL Variant Classification Criteria 13 December 2019. Collection method: clinical testing. Allele origin: germline.

PreventionGenetics, part of Exact Sciences
Classification: Likely benign for RFT1-related condition. Last evaluated: 2023-11-21. Review status: no assertion criteria provided. Collection method: clinical testing. Allele origin: germline. Not counted in ClinVar's aggregate classification.
Comment: This variant is classified as likely benign based on ACMG/AMP sequence variant interpretation guidelines (Richards et al. 2015 PMID: 25741868, with internal and published modifications).

NM_052859.4(RFT1):c.5G>A (p.Gly2Asp)

Genes: RFT1 (RFT1 glycolipid translocator homolog; minus strand), LOC129936883 (ATAC-STARR-seq lymphoblastoid active region 19954; plus strand). Cytogenetic location: 3p21.1.
Variant type: single nucleotide variant.
Coding change: c.5G>A on transcript NM_052859.4 (MANE Select); coding-DNA position 5, G replaced by A.
Protein change: p.Gly2Asp; replaces glycine 2 with aspartic acid.
Molecular consequence: missense variant.
Genome position (GRCh38, 1-based): chr3:53,130,396, C>T on the plus strand (G>A on the coding strand, the complement: RFT1 is on the minus strand). VCF-style: chr3-53130396-C-T. GRCh37 (hg19) VCF-style: chr3-53164412-C-T.
Other names: short protein forms G2D.
Identifiers: ClinVar variation 697945 (VCV000697945.37), dbSNP rs185366134, ClinGen allele CA2451592.
Genomic context (GRCh38, chr3:53,130,396, plus strand): 5'-ACCTGCAGGAGGAGACCGGAGGAGGCCAGCCGGGCCGCGTGGCCCAGCACCTCCTGGCTG[C>T]CCATAGCCTCCGCGCCAGGCTCAGACACCAGGAAATGCCGCCGCCACTCCGTTTAGTCGC-3'
Protein context (NP_443091.1, residues 1-12): M[Gly2Asp]SQEVLGHAAR